The following is an entry in ClinVar:

ClinVar aggregate classification (germline): Pathogenic. Review status: criteria provided, multiple submitters, no conflicts (2 of 4 stars). 2 submissions from 2 submitters: Pathogenic (2). Last evaluated 2024-05-20.

Conditions:
Retinoblastoma (RB1). Also called: RETINOBLASTOMA, SOMATIC. Identifiers: Orphanet 790, MedGen C0035335, MeSH D012175, MONDO:0008380, OMIM 180200, HP:0009919. Disease mechanism: loss of function. Inheritance: Both sporadic and heritable forms are tested..

Submissions (2):

Genetic Diagnostic Laboratory, University of Pennsylvania School of Medicine
Classification: Pathogenic for Retinoblastoma. Last evaluated: 2024-05-20. Review status: criteria provided, single submitter. Criteria: ACMG Guidelines, 2015. Collection method: clinical testing. Allele origin: germline. Affected: yes. Observed: 1 variant allele.
Comment: Case and Pedigree Information: BILATERAL CASES:1, UNILATERAL CASES:0, TOTAL CASES:1, PEDIGREES:1. ACMG Codes Applied:PVS1, PM2, PP3, PP5

Labcorp Genetics (formerly Invitae), Labcorp
Classification: Pathogenic for Retinoblastoma. Last evaluated: 2022-07-12. Review status: criteria provided, single submitter. Criteria: Invitae Variant Classification Sherloc (09022015). Collection method: clinical testing. Allele origin: germline.
Comment: This variant has been observed in individual(s) with bilateral retinoblastoma (PMID: 22963398; Invitae). This sequence change falls in intron 18 of the RB1 gene. It does not directly change the encoded amino acid sequence of the RB1 protein. RNA analysis indicates that this variant induces altered splicing and may result in an absent or disrupted protein product. This variant is not present in population databases (gnomAD no frequency). ClinVar contains an entry for this variant (Variation ID: 237664). Variants that disrupt the consensus splice site are a relatively common cause of aberrant splicing (PMID: 17576681, 9536098). Studies have shown that this variant results in skipping of exon 18 and introduces a premature termination codon (PMID: 22963398). The resulting mRNA is expected to undergo nonsense-mediated decay. For these reasons, this variant has been classified as Pathogenic.

Literature cited by the submitters: PubMed 22963398 (cited by Labcorp Genetics (formerly Invitae), Labcorp); PubMed 17576681 (cited by Labcorp Genetics (formerly Invitae), Labcorp); PubMed 9536098 (cited by Labcorp Genetics (formerly Invitae), Labcorp).

NM_000321.3(RB1):c.1814+3A>C

Gene: RB1 (RB transcriptional corepressor 1; plus strand). Cytogenetic location: 13q14.2.
Variant type: single nucleotide variant.
Coding change: c.1814+3A>C on transcript NM_000321.3 (MANE Select); 3 bases into the intron after coding-DNA position 1814, A replaced by C.
Molecular consequence: intron variant.
Genome position (GRCh38, 1-based): chr13:48,453,114, A>C. VCF-style: chr13-48453114-A-C. GRCh37 (hg19) VCF-style: chr13-49027250-A-C.
Identifiers: ClinVar variation 237664 (VCV000237664.9), dbSNP rs376886420, ClinGen allele CA10583159.